The following is an entry in ClinVar:

ClinVar aggregate classification (germline): Benign/Likely benign. Review status: criteria provided, multiple submitters, no conflicts (2 of 4 stars). 6 submissions from 6 submitters: Benign (4); Likely benign (1). 1 of the submissions does not count toward it. Last evaluated 2026-02-02.

Conditions:
Ehlers-Danlos syndrome (EDS). Identifiers: Orphanet 98249, MedGen C0013720, MONDO:0020066.
Ehlers-Danlos syndrome, dermatosparaxis type. Also called: Ehlers-Danlos syndrome, type VII, autosomal recessive; EDS VIIC; Dermatosparaxis. Identifiers: Orphanet 1901, MedGen C2700425, MONDO:0009161, OMIM 225410.

Allele frequency attached by ClinVar (database versions not stated): TOPMed 0.00087; gnomAD 0.00108; gnomAD exomes 0.00173; ExAC 0.00192; 1000 Genomes Project 30x 0.00422; 1000 Genomes Project 0.00479.
gnomAD v4.1: 1,794 of 1,610,868 alleles (0.11%); highest among the groups gnomAD compares: East Asian, 3.2%; 30 homozygotes.

Submissions (6):

Labcorp Genetics (formerly Invitae), Labcorp
Classification: Benign for Ehlers-Danlos syndrome, dermatosparaxis type. Last evaluated: 2026-02-02. Review status: criteria provided, single submitter. Criteria: Invitae Variant Classification Sherloc (09022015). Collection method: clinical testing. Allele origin: germline.

Blueprint Genetics
Classification: Likely benign. Last evaluated: 2024-11-13. Review status: criteria provided, single submitter. Criteria: ACMG Guidelines, 2015. Collection method: clinical testing. Allele origin: germline.

Genome Diagnostics Laboratory, The Hospital for Sick Children
Classification: Benign for Ehlers-Danlos syndrome. Last evaluated: 2021-04-14. Review status: criteria provided, single submitter. Criteria: ACMG Guidelines, 2015. Collection method: clinical testing. Allele origin: germline.

GeneDx
Classification: Benign. Last evaluated: 2019-07-29. Review status: criteria provided, single submitter. Criteria: GeneDx Variant Classification Process June 2021. Collection method: clinical testing. Allele origin: germline. Affected: yes.

Illumina Laboratory Services, Illumina
Classification: Benign for Ehlers-Danlos syndrome, dermatosparaxis type. Last evaluated: 2018-01-12. Review status: criteria provided, single submitter. Criteria: ICSL Variant Classification Criteria 13 December 2019. Collection method: clinical testing. Allele origin: germline.
Comment: This variant was observed in the ICSL laboratory as part of a predisposition screen in an ostensibly healthy population. It had not been previously curated by ICSL or reported in the Human Gene Mutation Database (HGMD: prior to June 1st, 2018), and was therefore a candidate for classification through an automated scoring system. Utilizing variant allele frequency, disease prevalence and penetrance estimates, and inheritance mode, an automated score was calculated to assess if this variant is too frequent to cause the disease. Based on the score and internal cut-off values, a variant classified as benign is not then subjected to further curation. The score for this variant resulted in a classification of benign for this disease.

Natera, Inc.
Classification: Benign for Ehlers-Danlos syndrome type VIIC. Last evaluated: 2019-11-11. Review status: no assertion criteria provided. Collection method: clinical testing. Allele origin: germline. Not counted in ClinVar's aggregate classification.

NM_014244.5(ADAMTS2):c.220G>A (p.Val74Met)

Gene: ADAMTS2 (ADAM metallopeptidase with thrombospondin type 1 motif 2; minus strand). Cytogenetic location: 5q35.3.
Variant type: single nucleotide variant.
Coding change: c.220G>A on transcript NM_014244.5 (MANE Select); coding-DNA position 220, G replaced by A.
Protein change: p.Val74Met; replaces valine 74 with methionine.
Molecular consequence: missense variant.
Genome position (GRCh38, 1-based): chr5:179,344,081, C>T on the plus strand (G>A on the coding strand, the complement: ADAMTS2 is on the minus strand). VCF-style: chr5-179344081-C-T. GRCh37 (hg19) VCF-style: chr5-178771082-C-T.
Other names: c.220G>A, p.Val74Met (NM_021599.4); short protein forms V74M.
Identifiers: ClinVar variation 353145 (VCV000353145.21), dbSNP rs2271211, ClinGen allele CA3596365.